The following is an entry in ClinVar:

NM_020719.3(PRR12):c.384G>A (p.Thr128=)

Gene: PRR12 (proline rich 12; plus strand). Cytogenetic location: 19q13.33.
Variant type: single nucleotide variant.
Coding change: c.384G>A on transcript NM_020719.3 (MANE Select); coding-DNA position 384, G replaced by A.
Protein change: p.Thr128=; no amino-acid change (threonine 128 retained).
Molecular consequence: synonymous variant.
Genome position (GRCh38, 1-based): chr19:49,594,719, G>A. VCF-style: chr19-49594719-G-A. GRCh37 (hg19) VCF-style: chr19-50097976-G-A.
Identifiers: ClinVar variation 3029528 (VCV003029528.2), dbSNP rs757087061, ClinGen allele CA9577646.

ClinVar aggregate classification (germline): Likely benign (0 of 4 stars; one submission).

Conditions:
PRR12-related disorder. Also called: PRR12-related condition.

Allele frequency attached by ClinVar (database versions not stated): gnomAD 0.00001; TOPMed 0.00001; ExAC 0.00002; gnomAD exomes 0.00002.
gnomAD v4.1: 25 of 1,612,876 alleles (0.0016%); highest among the groups gnomAD compares: East Asian, 0.011%; no homozygotes.

Submission:

PreventionGenetics, part of Exact Sciences
Classification: Likely benign for PRR12-related condition. Last evaluated: 2021-06-22. Review status: no assertion criteria provided. Collection method: clinical testing. Allele origin: germline.
Comment: This variant is classified as likely benign based on ACMG/AMP sequence variant interpretation guidelines (Richards et al. 2015 PMID: 25741868, with internal and published modifications).